The following is an entry in ClinVar:

ClinVar aggregate classification (germline): Pathogenic (1 of 4 stars; one submission).

Conditions:
Cystinuria (CSNU). Also called: Cystinuria, non-type I; CYSTINURIA, TYPE I; CYSTINURIA, TYPE II; CYSTINURIA, TYPE III. Identifiers: Orphanet 214, MedGen C0010691, MONDO:0009067, OMIM 220100, HP:0003131.

Submission:

Labcorp Genetics (formerly Invitae), Labcorp
Classification: Pathogenic for Cystinuria. Last evaluated: 2025-07-27. Review status: criteria provided, single submitter. Criteria: Invitae Variant Classification Sherloc (09022015). Collection method: clinical testing. Allele origin: germline.
Comment: This sequence change creates a premature translational stop signal (p.Tyr552Serfs*10) in the SLC3A1 gene. While this is not anticipated to result in nonsense mediated decay, it is expected to disrupt the last 134 amino acid(s) of the SLC3A1 protein. This variant is not present in population databases (gnomAD no frequency). This variant has not been reported in the literature in individuals affected with SLC3A1-related conditions. This variant disrupts a region of the SLC3A1 protein in which other variant(s) (p.Arg671*) have been determined to be pathogenic (PMID: 32133030). This suggests that this is a clinically significant region of the protein, and that variants that disrupt it are likely to be disease-causing. For these reasons, this variant has been classified as Pathogenic.

Literature cited by the submitters: PubMed 32133030.

NM_000341.4(SLC3A1):c.1655_1656del (p.Tyr552fs)

Genes: PREPL (prolyl endopeptidase like; minus strand), SLC3A1 (solute carrier family 3 member 1; plus strand). Cytogenetic location: 2p21.
Variant type: Microsatellite.
Coding change: c.1655_1656del on transcript NM_000341.4 (MANE Select); coding-DNA positions 1655 to 1656, 2 bases deleted (AT; older notation c.1655_1656delAT).
Protein change: p.Tyr552fs; shifts the reading frame from tyrosine 552.
Molecular consequence: frameshift variant. On other transcripts: 3 prime UTR variant (10).
Genome position (GRCh38, 1-based): chr2:44,320,236-44,320,237, AT deleted; deleting any 2 consecutive bases within chr2:44,320,233-44,320,237 gives the same sequence; the c. name uses the placement nearest the transcript's 3' end. VCF-style (leftmost placement, unchanged base first): chr2-44320232-TTA-T. GRCh37 (hg19) VCF-style: chr2-44547371-TTA-T.
Other names: c.*1120TA[1] (NM_001042385.2, NM_001042386.2, NM_001171603.1 and 7 more transcripts); short protein forms Y552fs.
Identifiers: ClinVar variation 4810208 (VCV004810208.1).